The following is an entry in ClinVar:

NM_001393586.1(MYO7B):c.2339+4C>T

Gene: MYO7B (myosin VIIB; plus strand). Cytogenetic location: 2q14.3.
Variant type: single nucleotide variant.
Coding change: c.2339+4C>T on transcript NM_001393586.1 (MANE Select); 4 bases into the intron after coding-DNA position 2339, C replaced by T.
Molecular consequence: intron variant.
Genome position (GRCh38, 1-based): chr2:127,596,560, C>T. VCF-style: chr2-127596560-C-T. GRCh37 (hg19) VCF-style: chr2-128354135-C-T.
Other names: c.2339+4C>T (NM_001080527.2).
Identifiers: ClinVar variation 3052728 (VCV003052728.2), dbSNP rs141776312, ClinGen allele CA1861083.

ClinVar aggregate classification (germline): Benign (0 of 4 stars; one submission).

Conditions:
MYO7B-related disorder. Also called: MYO7B-related condition.

Allele frequency attached by ClinVar (database versions not stated): ExAC 0.00306; gnomAD 0.00811; ESP Exome Variant Server 0.00875; TOPMed 0.00890; 1000 Genomes Project 0.01038; 1000 Genomes Project 30x 0.01109.
gnomAD v4.1: 2,501 of 1,606,784 alleles (0.16%); highest among the groups gnomAD compares: African/African-American, 2.9%; 33 homozygotes.

Submission:

PreventionGenetics, part of Exact Sciences
Classification: Benign for MYO7B-related condition. Last evaluated: 2019-09-25. Review status: no assertion criteria provided. Collection method: clinical testing. Allele origin: germline.
Comment: This variant is classified as benign based on ACMG/AMP sequence variant interpretation guidelines (Richards et al. 2015 PMID: 25741868, with internal and published modifications).